The following is an entry in ClinVar:

NM_000535.7(PMS2):c.398C>T (p.Thr133Ile)

Gene: PMS2 (PMS1 homolog 2, mismatch repair system component; minus strand). Cytogenetic location: 7p22.1.
Variant type: single nucleotide variant.
Coding change: c.398C>T on transcript NM_000535.7 (MANE Select); coding-DNA position 398, C replaced by T.
Protein change: p.Thr133Ile; replaces threonine 133 with isoleucine.
Molecular consequence: missense variant. On other transcripts: 5 prime UTR variant (8), non-coding transcript variant (1).
Genome position (GRCh38, 1-based): chr7:6,002,592, G>A on the plus strand (C>T on the coding strand, the complement: PMS2 is on the minus strand). VCF-style: chr7-6002592-G-A. GRCh37 (hg19) VCF-style: chr7-6042223-G-A.
Other names: c.-8C>T (NM_001322003.2, NM_001322004.2, NM_001322005.2 and 3 more transcripts); c.398C>T, p.Thr133Ile (NM_001322006.2, NM_001322014.2); c.80C>T, p.Thr27Ile (NM_001322007.2, NM_001322008.2); c.-487C>T (NM_001322011.2, NM_001322012.2); c.89C>T, p.Thr30Ile (NM_001322015.2); c.398C>T (NM_000535.6); short protein forms T133I, T27I, T30I.
Identifiers: ClinVar variation 480373 (VCV000480373.24), dbSNP rs1064794097, ClinGen allele CA366744427.

ClinVar aggregate classification (germline): Uncertain significance. Review status: criteria provided, multiple submitters, no conflicts (2 of 4 stars). 6 submissions from 6 submitters: Uncertain significance (6). Last evaluated 2025-12-18.

Conditions:
Hereditary cancer-predisposing syndrome. Also called: Hereditary Cancer Syndrome; Neoplastic Syndromes, Hereditary; Tumor predisposition; Hereditary neoplastic syndrome. Identifiers: Orphanet 140162, MedGen C0027672, MeSH D009386, MONDO:0015356.
Lynch syndrome. Identifiers: Orphanet 144, MedGen C4552100, MONDO:0005835. Disease mechanism: loss of function.
Hereditary nonpolyposis colorectal neoplasms. Identifiers: MedGen C0009405, MeSH D003123.

gnomAD v4.1: 1 of 1,611,950 alleles (0.000062%); no homozygotes.

Submissions (6):

Labcorp Genetics (formerly Invitae), Labcorp
Classification: Uncertain significance for Hereditary nonpolyposis colorectal neoplasms. Last evaluated: 2025-12-18. Review status: criteria provided, single submitter. Criteria: Invitae Variant Classification Sherloc (09022015). Collection method: clinical testing. Allele origin: germline.
Comment: This sequence change replaces threonine, which is neutral and polar, with isoleucine, which is neutral and non-polar, at codon 133 of the PMS2 protein (p.Thr133Ile). This variant is not present in population databases (gnomAD no frequency). This missense change has been observed in individual(s) with endometrial cancer (PMID: 27443514). ClinVar contains an entry for this variant (Variation ID: 480373). Invitae Evidence Modeling of protein sequence and biophysical properties (such as structural, functional, and spatial information, amino acid conservation, physicochemical variation, residue mobility, and thermodynamic stability) indicates that this missense variant is expected to disrupt PMS2 protein function with a positive predictive value of 80%. In summary, the available evidence is currently insufficient to determine the role of this variant in disease. Therefore, it has been classified as a Variant of Uncertain Significance.

Ambry Genetics
Classification: Uncertain significance for Hereditary cancer-predisposing syndrome. Last evaluated: 2025-09-03. Review status: criteria provided, single submitter. Criteria: Ambry Variant Classification Scheme 2023. Collection method: clinical testing. Allele origin: germline.
Comment: The p.T133I variant (also known as c.398C>T), located in coding exon 5 of the PMS2 gene, results from a C to T substitution at nucleotide position 398. The threonine at codon 133 is replaced by isoleucine, an amino acid with similar properties. This alteration has been previously detected in a cohort of 381 unselected endometrial cancer patients who underwent multi-gene panel testing (Ring KL et al. Mod Pathol, 2016 11;29:1381-1389). This amino acid position is well conserved in available vertebrate species. In addition, this alteration is predicted to be deleterious by in silico analysis. Based on the available evidence, the clinical significance of this variant remains unclear.

Quest Diagnostics Nichols Institute San Juan Capistrano
Classification: Uncertain significance. Last evaluated: 2025-04-07. Review status: criteria provided, single submitter. Criteria: Quest Diagnostics criteria. Collection method: clinical testing. Allele origin: unknown.
Comment: The PMS2 c.398C>T (p.Thr133Ile) variant has been reported in the published literature in an individual with endometrial carcinoma (PMID: 27443514 (2016)). This variant has not been reported in large, multi-ethnic general populations (Genome Aggregation Database). Analysis of this variant using bioinformatics tools for the prediction of the effect of amino acid changes on protein structure and function yielded inconclusive and damaging findings. Based on the available information, we are unable to determine the clinical significance of this variant.

GeneDx
Classification: Uncertain significance. Last evaluated: 2024-10-29. Review status: criteria provided, single submitter. Criteria: GeneDx Variant Classification Process June 2021. Collection method: clinical testing. Allele origin: germline. Affected: yes.
Comment: Not observed at significant frequency in large population cohorts (gnomAD); In silico analysis supports that this missense variant has a deleterious effect on protein structure/function; Observed in an individual with endometrial cancer in the published literature (PMID: 27443514); This variant is associated with the following publications: (PMID: 11574484, 27443514)

All of Us Research Program, National Institutes of Health
Classification: Uncertain significance for Lynch syndrome. Last evaluated: 2023-12-13. Review status: criteria provided, single submitter. Criteria: ACMG Guidelines, 2015. Collection method: clinical testing. Allele origin: germline. Inheritance: Autosomal dominant inheritance. Observed: 1 variant allele, 1 heterozygote.
Comment: This missense variant replaces threonine with isoleucine at codon 133 of the PMS2 protein. Computational prediction suggests that this variant may have deleterious impact on protein structure and function (internally defined REVEL score threshold >= 0.7, PMID: 27666373). To our knowledge, functional studies have not been reported for this variant. This variant has been observed in an individual affected with endometrial cancer (PMID: 27443514). This variant has not been identified in the general population by the Genome Aggregation Database (gnomAD). The available evidence is insufficient to determine the role of this variant in disease conclusively. Therefore, this variant is classified as a Variant of Uncertain Significance.

This study involves interpretation of variants in research participants for the purpose of population health screening. Participant phenotype was not available at the time of variant classification. Additional details can be found in publication PMID: 35346344, PMCID: PMC8962531

ARUP Laboratories, Molecular Genetics and Genomics, ARUP Laboratories
Classification: Uncertain significance. Last evaluated: 2017-11-03. Review status: criteria provided, single submitter. Criteria: ARUP Molecular Germline Variant Investigation Process. Collection method: clinical testing. Allele origin: germline.
Comment: The PMS2 c.398C>T; p.Thr133Ile variant is published in the medical literature in at least one individual with endometrial cancer (Ring 2016). The variant is not listed in gene-specific databases, in the ClinVar database, in the dbSNP variant database, or in the general population-based databases (Exome Variant Server, Genome Aggregation Database). The threonine at this position is moderately conserved across species, but computational algorithms do not reach a consensus as to the effect of this variant on the protein (PolyPhen2: Probably Damaging, SIFT: Tolerated, AlignGCGD: C0, Tolerated). Considering available information, the clinical significance of this variant cannot be determined with certainty. References: Ring KL et al. Germline multi-gene hereditary cancer panel testing in an unselected endometrial cancer cohort. Mod Pathol. 2016 Nov;29(11):1381-1389.

Literature cited by the submitters: PubMed 27443514 (cited by 4 submitters).